The following is an entry in ClinVar:

NM_001374385.1(ATP8B1):c.782-1G>A

Gene: ATP8B1 (ATPase phospholipid transporting 8B1; minus strand). Cytogenetic location: 18q21.31.
Variant type: single nucleotide variant.
Coding change: c.782-1G>A on transcript NM_001374385.1 (MANE Select); the canonical splice acceptor site of the intron before coding-DNA position 782, G replaced by A.
Molecular consequence: splice acceptor variant.
Genome position (GRCh38, 1-based): chr18:57,695,330, C>T on the plus strand (G>A on the coding strand, the complement: ATP8B1 is on the minus strand). VCF-style: chr18-57695330-C-T. GRCh37 (hg19) VCF-style: chr18-55362562-C-T.
Other names: c.782-1G>A (NM_005603.6); c.632-1G>A (NM_001374386.1).
Identifiers: ClinVar variation 4846541 (VCV004846541.1).

ClinVar aggregate classification (germline): Likely pathogenic (1 of 4 stars; one submission).

Conditions:
Familial intrahepatic cholestasis. Identifiers: Orphanet 284385, MedGen CN296401, MONDO:0017290.

Submission:

Genomenon, Inc
Classification: Likely pathogenic for Familial intrahepatic cholestasis. Last evaluated: 2026-04-14. Review status: criteria provided, single submitter. Criteria: Genomenon Sequence Variant Interpretation Standards - Updated. Collection method: curation. Allele origin: germline. Affected: yes.
Comment: ATP8B1 c.782-1G>A is a canonical splice variant affecting the acceptor splice site of intron 9. This variant has been observed in at least one proband with features of ATP8B1-deficiency (PMID:20232290). At least one splicing study demonstrated this variant results in aberrant splicing (PMID:25421123). It is absent or not present at a significant frequency in gnomAD. In conclusion, we classify ATP8B1 c.782-1G>A as a likely pathogenic variant.

Literature cited by the submitters: PubMed 20232290; PubMed 25421123.